The following is an entry in ClinVar:

ClinVar aggregate classification (germline): Uncertain significance. Review status: criteria provided, multiple submitters, no conflicts (2 of 4 stars). 4 submissions from 4 submitters: Uncertain significance (4). Last evaluated 2026-01-22.

Conditions:
Xeroderma pigmentosum (XP). Identifiers: Orphanet 910, MedGen C0043346, MONDO:0019600.
Xeroderma pigmentosum variant type. Also called: PHOTOSENSITIVITY WITH DEFECTIVE DNA SYNTHESIS; XERODERMA PIGMENTOSUM WITH NORMAL DNA REPAIR RATES; POLH-Related Xeroderma Pigmentosum. Identifiers: Orphanet 90342, MedGen C1848410, MONDO:0010214, OMIM 278750.

Allele frequency attached by ClinVar (database versions not stated): gnomAD 0.00025 and 0.00028; 1000 Genomes Project 30x 0.00031; TOPMed 0.00037; 1000 Genomes Project 0.00040.

Submissions (4):

Women's Health and Genetics/Laboratory Corporation of America, LabCorp
Classification: Uncertain significance. Last evaluated: 2026-01-22. Review status: criteria provided, single submitter. Criteria: LabCorp Variant Classification Summary - May 2015. Collection method: clinical testing. Allele origin: germline.

Sema4
Classification: Uncertain significance for Xeroderma pigmentosum. Last evaluated: 2021-12-13. Review status: criteria provided, single submitter. Criteria: Sema4 Curation Guidelines. Collection method: curation. Allele origin: germline.
Comment: The POLH c.-5+3A>G variant has not been reported in the literature to our knowledge. It was observed in 21/1560 chromosomes of the East Asian cohort in the large and broad cohorts of the Genome Aggregation Database (PMID: 32461654). The variant has been reported in ClinVar (Variation ID: 356897). In silico tools developed to predict the effect of sequence changes on RNA splicing do not suggest a negative effect on normal splicing, though these predictions have not been confirmed by functional studies. The evidence is insufficient to meet ACMG/AMP criteria for classifying the variant as benign or pathogenic. Thus, the clinical significance of this variant is currently uncertain.

CeGaT Center for Human Genetics Tuebingen
Classification: Uncertain significance. Last evaluated: 2019-02-01. Review status: criteria provided, single submitter. Criteria: CeGaT Center For Human Genetics Tuebingen Variant Classification Criteria Version 2. Collection method: clinical testing. Allele origin: germline. Affected: yes. Observed: 1 variant allele.

Illumina Laboratory Services, Illumina
Classification: Uncertain significance for Xeroderma pigmentosum variant type. Last evaluated: 2018-01-13. Review status: criteria provided, single submitter. Criteria: ICSL Variant Classification Criteria 13 December 2019. Collection method: clinical testing. Allele origin: germline.

NM_006502.3(POLH):c.-5+3A>G

Genes: POLH (DNA polymerase eta; plus strand), LOC129996521 (ATAC-STARR-seq lymphoblastoid active region 24604; plus strand). Cytogenetic location: 6p21.1.
Variant type: single nucleotide variant.
Coding change: c.-5+3A>G on transcript NM_006502.3 (MANE Select); 3 bases into the intron after 5 bases upstream of the start codon, A replaced by G.
Molecular consequence: intron variant.
Genome position (GRCh38, 1-based): chr6:43,576,443, A>G. VCF-style: chr6-43576443-A-G. GRCh37 (hg19) VCF-style: chr6-43544180-A-G.
Other names: c.-5+3A>G (NM_001291970.2); c.-18+3A>G (NM_001291969.2).
Identifiers: ClinVar variation 356897 (VCV000356897.47), dbSNP rs9357415, ClinGen allele CA10622149.